The following is an entry in ClinVar:

ClinVar aggregate classification (germline): Uncertain significance (1 of 4 stars; one submission).

Conditions:
Familial focal epilepsy with variable foci (FPEVF). Identifiers: Orphanet 98820, MedGen C1858477, MONDO:0020310.

Submission:

Labcorp Genetics (formerly Invitae), Labcorp
Classification: Uncertain significance for Familial focal epilepsy with variable foci. Last evaluated: 2021-10-25. Review status: criteria provided, single submitter. Criteria: Invitae Variant Classification Sherloc (09022015). Collection method: clinical testing. Allele origin: germline.
Comment: In summary, the available evidence is currently insufficient to determine the role of this variant in disease. Therefore, it has been classified as a Variant of Uncertain Significance. Algorithms developed to predict the effect of missense changes on protein structure and function are either unavailable or do not agree on the potential impact of this missense change (SIFT: "Deleterious"; PolyPhen-2: "Not Available"; Align-GVGD: "Class C65"). This variant has not been reported in the literature in individuals affected with DEPDC5-related conditions. This variant is not present in population databases (ExAC no frequency). This sequence change replaces histidine with tyrosine at codon 861 of the DEPDC5 protein (p.His861Tyr). The histidine residue is highly conserved and there is a moderate physicochemical difference between histidine and tyrosine.

NM_001242896.3(DEPDC5):c.2581C>T (p.His861Tyr)

Gene: DEPDC5 (DEP domain containing 5, GATOR1 subcomplex subunit; plus strand). Cytogenetic location: 22q12.3.
Variant type: single nucleotide variant.
Coding change: c.2581C>T on transcript NM_001242896.3 (MANE Select); coding-DNA position 2581, C replaced by T.
Protein change: p.His861Tyr; replaces histidine 861 with tyrosine.
Molecular consequence: missense variant. On other transcripts: non-coding transcript variant (5).
Genome position (GRCh38, 1-based): chr22:31,843,160, C>T. VCF-style: chr22-31843160-C-T. GRCh37 (hg19) VCF-style: chr22-32239146-C-T.
Other names: c.2554C>T, p.His852Tyr (NM_001136029.4, NM_001369903.1, NM_014662.6); c.2347C>T, p.His783Tyr (NM_001242897.2, NM_001363854.2, NM_001364319.2); c.2581C>T, p.His861Tyr (NM_001363852.2, NM_001364318.2, NM_001364320.2); c.2497C>T, p.His833Tyr (NM_001369901.1, NM_001369902.1); short protein forms H852Y, H861Y, H833Y, H783Y.
Identifiers: ClinVar variation 1407018 (VCV001407018.6), dbSNP rs2149004473, ClinGen allele CA411288858.
Genomic context (GRCh38, chr22:31,843,160, plus strand): 5'-GTGTCCCGAAACCGCCCTGAGGAGGAGGACCAGTATTGGCTGAGTATGGGCAGAACGTTC[C>T]ACAAAGTGACGCTGAAGGATAAGATGATCACAGTGACGCGATACCTTCCCAAGTGAGTAT-3'
Protein context (NP_001229825.1, residues 851-871): QYWLSMGRTF[His861Tyr]KVTLKDKMIT